The following is an entry in ClinVar:

NM_001042492.3(NF1):c.205A>G (p.Arg69Gly)

Gene: NF1 (neurofibromin 1; plus strand). Cytogenetic location: 17q11.2.
Variant type: single nucleotide variant.
Coding change: c.205A>G on transcript NM_001042492.3 (MANE Select); coding-DNA position 205, A replaced by G.
Protein change: p.Arg69Gly; replaces arginine 69 with glycine.
Molecular consequence: missense variant.
Genome position (GRCh38, 1-based): chr17:31,159,010, A>G. VCF-style: chr17-31159010-A-G. GRCh37 (hg19) VCF-style: chr17-29486028-A-G.
Other names: c.205A>G, p.Arg69Gly (NM_000267.4, NM_001128147.3); short protein forms R69G.
Identifiers: ClinVar variation 1978214 (VCV001978214.6), dbSNP rs2143645322, ClinGen allele CA398989479.

ClinVar aggregate classification (germline): Uncertain significance. Review status: criteria provided, multiple submitters, no conflicts (2 of 4 stars). 2 submissions from 2 submitters: Uncertain significance (2). Last evaluated 2024-10-26.

Conditions:
Neurofibromatosis, type 1 (NF1). Also called: Peripheral type neurofibromatosis; VON RECKLINGHAUSEN DISEASE; Neurofibromatosis, type I; NEUROFIBROMATOSIS, TYPE I, SOMATIC. Identifiers: Orphanet 636, MedGen C0027831, MONDO:0018975, OMIM 162200. Disease mechanism: loss of function.
Hereditary cancer-predisposing syndrome. Also called: Hereditary neoplastic syndrome; Neoplastic Syndromes, Hereditary; Tumor predisposition; Hereditary Cancer Syndrome. Identifiers: Orphanet 140162, MedGen C0027672, MeSH D009386, MONDO:0015356.
Cardiovascular phenotype. Identifiers: MedGen CN230736.

Submissions (2):

Labcorp Genetics (formerly Invitae), Labcorp
Classification: Uncertain significance for Neurofibromatosis, type 1. Last evaluated: 2024-10-26. Review status: criteria provided, single submitter. Criteria: Invitae Variant Classification Sherloc (09022015). Collection method: clinical testing. Allele origin: germline.
Comment: This sequence change replaces arginine, which is basic and polar, with glycine, which is neutral and non-polar, at codon 69 of the NF1 protein (p.Arg69Gly). This variant is not present in population databases (gnomAD no frequency). This variant has not been reported in the literature in individuals affected with NF1-related conditions. ClinVar contains an entry for this variant (Variation ID: 1978214). An algorithm developed to predict the effect of missense changes on protein structure and function (PolyPhen-2) suggests that this variant is likely to be disruptive. In summary, the available evidence is currently insufficient to determine the role of this variant in disease. Therefore, it has been classified as a Variant of Uncertain Significance.

Ambry Genetics
Classification: Uncertain significance for Cardiovascular phenotype; Hereditary cancer-predisposing syndrome. Last evaluated: 2024-10-15. Review status: criteria provided, single submitter. Criteria: Ambry Variant Classification Scheme 2023. Collection method: clinical testing. Allele origin: germline.
Comment: The p.R69G variant (also known as c.205A>G) is located in coding exon 3 of the NF1 gene. The arginine at codon 69 is replaced by glycine, an amino acid with dissimilar properties. This change occurs in the first base pair of coding exon 3. This amino acid position is highly conserved in available vertebrate species. In addition, the in silico prediction for this alteration is inconclusive. Based on the available evidence, the clinical significance of this variant remains unclear.